The following is an entry in ClinVar:

NM_178857.6(RP1L1):c.3187G>C (p.Glu1063Gln)

Gene: RP1L1 (RP1 like 1). Cytogenetic location: 8p23.1.
Variant type: single nucleotide variant.
Coding change: c.3187G>C on transcript NM_178857.6 (MANE Select); coding-DNA position 3187, G replaced by C.
Protein change: p.Glu1063Gln; replaces glutamic acid 1063 with glutamine.
Molecular consequence: missense variant.
Genome position (GRCh38, 1-based): chr8:10,610,911, C>G on the plus strand (G>C on the coding strand, the complement: RP1L1 is on the minus strand). VCF-style: chr8-10610911-C-G. GRCh37 (hg19) VCF-style: chr8-10468421-C-G.
Other names: short protein forms E1063Q.
Identifiers: ClinVar variation 4988808 (VCV004988808.1).

ClinVar aggregate classification (germline): Uncertain significance (1 of 4 stars; one submission).

Conditions:
RP1L1-related disorder. Also called: RP1L1-related condition.

gnomAD v4.1: 13 of 1,610,844 alleles (0.00081%); highest among the groups gnomAD compares: African/African-American, 0.008%; no homozygotes.

Submission:

PreventionGenetics, part of Exact Sciences
Classification: Uncertain significance for RP1L1-related condition. Last evaluated: 2026-01-07. Review status: criteria provided, single submitter. Criteria: ACMG Guidelines, 2015. Collection method: clinical testing. Allele origin: germline.
Comment: The RP1L1 c.3187G>C variant is predicted to result in the amino acid substitution p.Glu1063Gln. To our knowledge, this variant has not been reported in the literature. This variant is reported in 0.013% of alleles in individuals of African descent in gnomAD. Another variant affecting the same amino acid, c.3189G>C, p.(Glu1063Asp), has been reported in an individual with inherited retinal or optic nerve disorders (Table S12, Diñeiro et al. 2020. PubMed ID: 32483926). At this time, the clinical significance of this variant is uncertain due to the absence of conclusive functional and genetic evidence.